The following is an entry in ClinVar:

NM_000124.4(ERCC6):c.1100_1101del (p.Asp366_Ser367insTer)

Gene: ERCC6 (ERCC excision repair 6, chromatin remodeling factor; minus strand). Cytogenetic location: 10q11.23.
Variant type: Microsatellite.
Coding change: c.1100_1101del on transcript NM_000124.4 (MANE Select); coding-DNA positions 1100 to 1101, 2 bases deleted (CT; older notation c.1100_1101delCT).
Protein change: p.Asp366_Ser367insTer.
Molecular consequence: nonsense.
Genome position (GRCh38, 1-based): chr10:49,524,329-49,524,330, AG deleted on the plus strand (CT on the coding strand, the reverse complement: ERCC6 is on the minus strand); deleting any 2 consecutive bases within chr10:49,524,329-49,524,332 gives the same sequence; the c. name uses the placement nearest the transcript's 3' end. VCF-style (leftmost placement, unchanged base first): chr10-49524328-CAG-C. GRCh37 (hg19) VCF-style: chr10-50732374-CAG-C.
Other names: c.1100_1101del, p.Asp366_Ser367insTer (NM_001277058.2, NM_001277059.2, NM_001346440.2).
Identifiers: ClinVar variation 2746639 (VCV002746639.4), dbSNP rs2496139686, ClinGen allele CA2697558337.
Genomic context (GRCh38, chr10:49,524,328, plus strand): 5'-CCTCGTCATCTTCCTCCTCTTCCTCCTCCTCTGTGGGGAAATACTCAGACTCTTCACCCT[CAG>C]AGTCTCCCTCTGCCTCTGGCCTCATGTCTGACTCCCAAGGTCTCCTTGCCTTTGGCAATC-3'

ClinVar aggregate classification (germline): Pathogenic. Review status: criteria provided, multiple submitters, no conflicts (2 of 4 stars). 2 submissions from 2 submitters: Pathogenic (2). Last evaluated 2024-09-23.

Conditions:
DE SANCTIS-CACCHIONE SYNDROME. Identifiers: MedGen C0265201, MONDO:0010217, OMIM 278800.

Submissions (2):

3billion
Classification: Pathogenic for DE SANCTIS-CACCHIONE SYNDROME. Last evaluated: 2024-09-23. Review status: criteria provided, single submitter. Criteria: ACMG Guidelines, 2015. Collection method: clinical testing. Allele origin: germline. Affected: yes.
Comment: The variant is not observed in the gnomAD v4.0.0 dataset. Predicted Consequence/Location: Stop-gained (nonsense): predicted to result in a loss or disruption of normal protein function through nonsense-mediated decay (NMD) or protein truncation. Multiple pathogenic variants are reported downstream of the variant. The variant has been reported to be associated with ERCC6 related disorder (ClinVar ID: VCV002746639). Therefore, this variant is classified as Pathogenic according to the recommendation of ACMG/AMP guideline.

Labcorp Genetics (formerly Invitae), Labcorp
Classification: Pathogenic. Last evaluated: 2023-08-08. Review status: criteria provided, single submitter. Criteria: Invitae Variant Classification Sherloc (09022015). Collection method: clinical testing. Allele origin: germline.
Comment: For these reasons, this variant has been classified as Pathogenic. This variant has not been reported in the literature in individuals affected with ERCC6-related conditions. This variant is not present in population databases (gnomAD no frequency). This sequence change creates a premature translational stop signal (p.Ser367*) in the ERCC6 gene. It is expected to result in an absent or disrupted protein product. Loss-of-function variants in ERCC6 are known to be pathogenic (PMID: 18628313, 29572252).

Literature cited by the submitters: PubMed 18628313 (cited by Labcorp Genetics (formerly Invitae), Labcorp); PubMed 29572252 (cited by Labcorp Genetics (formerly Invitae), Labcorp).